The following is an entry in ClinVar:

ClinVar aggregate classification (germline): Uncertain significance (1 of 4 stars; one submission).

Allele frequency attached by ClinVar (database versions not stated): gnomAD exomes below 0.00001.
gnomAD v4.1: 2 of 1,613,852 alleles (0.00012%); highest among the groups gnomAD compares: Non-Finnish European, 0.00017%; no homozygotes.

Submission:

Labcorp Genetics (formerly Invitae), Labcorp
Classification: Uncertain significance. Last evaluated: 2022-03-19. Review status: criteria provided, single submitter. Criteria: Invitae Variant Classification Sherloc (09022015). Collection method: clinical testing. Allele origin: germline.
Comment: This sequence change replaces valine, which is neutral and non-polar, with isoleucine, which is neutral and non-polar, at codon 813 of the PCLO protein (p.Val813Ile). This variant is not present in population databases (gnomAD no frequency). This variant has not been reported in the literature in individuals affected with PCLO-related conditions. Algorithms developed to predict the effect of missense changes on protein structure and function output the following: SIFT: "Tolerated"; PolyPhen-2: "Not Available"; Align-GVGD: "Class C0". The isoleucine amino acid residue is found in multiple mammalian species, which suggests that this missense change does not adversely affect protein function. In summary, the available evidence is currently insufficient to determine the role of this variant in disease. Therefore, it has been classified as a Variant of Uncertain Significance.

NM_033026.6(PCLO):c.2437G>A (p.Val813Ile)

Gene: PCLO (piccolo presynaptic cytomatrix protein; minus strand). Cytogenetic location: 7q21.11.
Variant type: single nucleotide variant.
Coding change: c.2437G>A on transcript NM_033026.6 (MANE Select); coding-DNA position 2437, G replaced by A.
Protein change: p.Val813Ile; replaces valine 813 with isoleucine.
Molecular consequence: missense variant.
Genome position (GRCh38, 1-based): chr7:83,135,113, C>T on the plus strand (G>A on the coding strand, the complement: PCLO is on the minus strand). VCF-style: chr7-83135113-C-T. GRCh37 (hg19) VCF-style: chr7-82764429-C-T.
Other names: c.2437G>A, p.Val813Ile (NM_014510.3); short protein forms V813I.
Identifiers: ClinVar variation 1969896 (VCV001969896.2), dbSNP rs2484837491, ClinGen allele CA367900806.